The following is an entry in ClinVar:

NM_001378454.1(ALMS1):c.2146C>T (p.His716Tyr)

Gene: ALMS1 (ALMS1 centrosome and basal body associated protein; plus strand). Cytogenetic location: 2p13.1.
Variant type: single nucleotide variant.
Coding change: c.2146C>T on transcript NM_001378454.1 (MANE Select); coding-DNA position 2146, C replaced by T.
Protein change: p.His716Tyr; replaces histidine 716 with tyrosine.
Molecular consequence: missense variant.
Genome position (GRCh38, 1-based): chr2:73,448,673, C>T. VCF-style: chr2-73448673-C-T. GRCh37 (hg19) VCF-style: chr2-73675800-C-T.
Other names: c.2149C>T, p.His717Tyr (NM_015120.4); short protein forms H716Y, H717Y.
Identifiers: ClinVar variation 3059293 (VCV003059293.2), dbSNP rs1205026049, ClinGen allele CA347266916.

ClinVar aggregate classification (germline): Conflicting classifications of pathogenicity. Review status: criteria provided, conflicting classifications (1 of 4 stars). 2 submissions from 2 submitters: Uncertain significance (1); Likely benign (1). Last evaluated 2023-12-14.

Conditions:
ALMS1-related disorder. Also called: ALMS1-related condition.
Cardiovascular phenotype. Identifiers: MedGen CN230736.

Allele frequency attached by ClinVar (database versions not stated): gnomAD exomes below 0.00001.
gnomAD v4.1: 2 of 1,611,682 alleles (0.00012%); highest among the groups gnomAD compares: Admixed American, 0.0017%; no homozygotes.

Submissions (2):

Ambry Genetics
Classification: Likely benign for Cardiovascular phenotype. Last evaluated: 2023-12-14. Review status: criteria provided, single submitter. Criteria: Ambry Variant Classification Scheme 2023. Collection method: clinical testing. Allele origin: germline.

PreventionGenetics, part of Exact Sciences
Classification: Uncertain significance for ALMS1-related condition. Last evaluated: 2023-11-24. Review status: criteria provided, single submitter. Criteria: ACMG Guidelines, 2015. Collection method: clinical testing. Allele origin: germline.
Comment: The ALMS1 c.2149C>T variant is predicted to result in the amino acid substitution p.His717Tyr. To our knowledge, this variant has not been reported in the literature. This variant is reported in 0.020% of alleles in individuals of Latino descent in gnomAD. At this time, the clinical significance of this variant is uncertain due to the absence of conclusive functional and genetic evidence.